The following is an entry in ClinVar:

ClinVar aggregate classification (germline): Uncertain significance (1 of 4 stars; one submission).

Conditions:
Hypertrophic cardiomyopathy. Also called: HYPERTROPHIC MYOCARDIOPATHY. Identifiers: Orphanet 217569, MedGen C0007194, MeSH D002312, MONDO:0005045, HP:0001639.

gnomAD v4.1: 2 of 1,613,168 alleles (0.00012%); highest among the groups gnomAD compares: Non-Finnish European, 0.00017%; no homozygotes.

Submission:

All of Us Research Program, National Institutes of Health
Classification: Uncertain significance for Hypertrophic cardiomyopathy. Last evaluated: 2023-06-26. Review status: criteria provided, single submitter. Criteria: ACMG Guidelines, 2015. Collection method: clinical testing. Allele origin: germline. Inheritance: Autosomal dominant inheritance. Observed: 1 variant allele, 1 heterozygote.
Comment: This missense variant replaces valine with alanine at codon 725 of the MYBPC3 protein. Computational prediction is inconclusive regarding the impact of this variant on protein structure and function (internally defined REVEL score threshold 0.5 < inconclusive < 0.7, PMID: 27666373). To our knowledge, functional studies have not been reported for this variant. This variant has not been reported in individuals affected with MYBPC3-related disorders in the literature. This variant has not been identified in the general population by the Genome Aggregation Database (gnomAD). The available evidence is insufficient to determine the role of this variant in disease conclusively. Therefore, this variant is classified as a Variant of Uncertain Significance.

This study involves interpretation of variants in research participants for the purpose of population health screening. Participant phenotype was not available at the time of variant classification. Additional details can be found in publication PMID: 35346344, PMCID: PMC8962531

NM_000256.3(MYBPC3):c.2174T>C (p.Val725Ala)

Gene: MYBPC3 (myosin binding protein C3; minus strand). Cytogenetic location: 11p11.2.
Variant type: single nucleotide variant.
Coding change: c.2174T>C on transcript NM_000256.3 (MANE Select); coding-DNA position 2174, T replaced by C.
Protein change: p.Val725Ala; replaces valine 725 with alanine.
Molecular consequence: missense variant.
Genome position (GRCh38, 1-based): chr11:47,338,654, A>G on the plus strand (T>C on the coding strand, the complement: MYBPC3 is on the minus strand). VCF-style: chr11-47338654-A-G. GRCh37 (hg19) VCF-style: chr11-47360205-A-G.
Other names: short protein forms V725A.
Identifiers: ClinVar variation 3071809 (VCV003071809.1), dbSNP rs2495752658, ClinGen allele CA380320573.